The following is an entry in ClinVar:

ClinVar aggregate classification (germline): Uncertain significance. Review status: criteria provided, multiple submitters, no conflicts (2 of 4 stars). 4 submissions from 4 submitters: Uncertain significance (4). Last evaluated 2024-08-28.

Conditions:
Retinal dystrophy. Also called: Inherited retinal dystrophy. Identifiers: Orphanet 71862, MedGen C0854723, MeSH D058499, MONDO:0019118, HP:0000556.
Inborn genetic diseases. Identifiers: MedGen C0950123, MeSH D030342.
Saldino-Mainzer syndrome (SRTD9). Also called: SHORT-RIB THORACIC DYSPLASIA 9 WITHOUT POLYDACTYLY; Renal dysplasia, retinal pigmentary dystrophy, cerebellar ataxia and skeletal dysplasia; short-rib thoracic dysplasia 9 with or without polydactyly; CONORENAL SYNDROME. Identifiers: Orphanet 140969, MedGen C1849437, MONDO:0009964, OMIM 266920.

Allele frequency attached by ClinVar (database versions not stated): ExAC 0.00001; gnomAD exomes 0.00001; TOPMed 0.00002; gnomAD 0.00004.
gnomAD v4.1: 63 of 1,613,436 alleles (0.0039%); highest among the groups gnomAD compares: East Asian, 0.0089%; no homozygotes.

Submissions (4):

Ambry Genetics
Classification: Uncertain significance for Inborn genetic diseases. Last evaluated: 2024-08-28. Review status: criteria provided, single submitter. Criteria: Ambry Variant Classification Scheme 2023. Collection method: clinical testing. Allele origin: germline.

Dept Of Ophthalmology, Nagoya University
Classification: Uncertain significance for Retinal dystrophy. Last evaluated: 2023-10-01. Review status: criteria provided, single submitter. Criteria: Submitter's publication. Collection method: research. Allele origin: germline. Affected: yes.

Labcorp Genetics (formerly Invitae), Labcorp
Classification: Uncertain significance for Saldino-Mainzer syndrome. Last evaluated: 2021-07-24. Review status: criteria provided, single submitter. Criteria: Invitae Variant Classification Sherloc (09022015). Collection method: clinical testing. Allele origin: germline.
Comment: This variant is present in population databases (rs769337607, ExAC 0.002%). This sequence change replaces alanine with threonine at codon 419 of the IFT140 protein (p.Ala419Thr). The alanine residue is moderately conserved and there is a small physicochemical difference between alanine and threonine. Algorithms developed to predict the effect of missense changes on protein structure and function are either unavailable or do not agree on the potential impact of this missense change (SIFT: "Deleterious"; PolyPhen-2: "Possibly Damaging"; Align-GVGD: "Class C0"). This variant has not been reported in the literature in individuals affected with IFT140-related conditions. ClinVar contains an entry for this variant (Variation ID: 887294). In summary, the available evidence is currently insufficient to determine the role of this variant in disease. Therefore, it has been classified as a Variant of Uncertain Significance.

Illumina Laboratory Services, Illumina
Classification: Uncertain significance for Saldino-Mainzer syndrome. Last evaluated: 2018-01-12. Review status: criteria provided, single submitter. Criteria: ICSL Variant Classification Criteria 13 December 2019. Collection method: clinical testing. Allele origin: germline.

NM_014714.4(IFT140):c.1255G>A (p.Ala419Thr)

Genes: IFT140 (intraflagellar transport 140; minus strand), LOC105371046 (uncharacterized LOC105371046; plus strand). Cytogenetic location: 16p13.3.
Variant type: single nucleotide variant.
Coding change: c.1255G>A on transcript NM_014714.4 (MANE Select); coding-DNA position 1255, G replaced by A.
Protein change: p.Ala419Thr; replaces alanine 419 with threonine.
Molecular consequence: missense variant.
Genome position (GRCh38, 1-based): chr16:1,584,321, C>T on the plus strand (G>A on the coding strand, the complement: IFT140 is on the minus strand). VCF-style: chr16-1584321-C-T. GRCh37 (hg19) VCF-style: chr16-1634322-C-T.
Other names: short protein forms A419T.
Identifiers: ClinVar variation 887294 (VCV000887294.13), dbSNP rs769337607, ClinGen allele CA7814386.